The following is an entry in ClinVar:

NM_014639.4(SKIC3):c.959A>G (p.His320Arg)

Gene: SKIC3 (SKI3 subunit of superkiller complex; minus strand). Cytogenetic location: 5q15.
Variant type: single nucleotide variant.
Coding change: c.959A>G on transcript NM_014639.4 (MANE Select); coding-DNA position 959, A replaced by G.
Protein change: p.His320Arg; replaces histidine 320 with arginine.
Molecular consequence: missense variant.
Genome position (GRCh38, 1-based): chr5:95,529,036, T>C on the plus strand (A>G on the coding strand, the complement: SKIC3 is on the minus strand). VCF-style: chr5-95529036-T-C. GRCh37 (hg19) VCF-style: chr5-94864740-T-C.
Other names: short protein forms H320R.
Identifiers: ClinVar variation 1525162 (VCV001525162.8), dbSNP rs1747685301, ClinGen allele CA360466298.
Genomic context (GRCh38, chr5:95,529,036, plus strand): 5'-TCAACCCAAAAAGTATCAAAAATACCTTGACTGCATGAAAGAACAGCTTCTTTAGGTCTA[T>C]GCATTTTGACTTGGGCTTCTGCCAGATGATACCATCCACTTGTGCAGACAGGGCTTTCCT-3'
Protein context (NP_055454.1, residues 310-330): YHLAEAQVKM[His320Arg]RPKEAVLSCS

ClinVar aggregate classification (germline): Uncertain significance (1 of 4 stars; one submission).

Allele frequency attached by ClinVar (database versions not stated): gnomAD 0.00001; gnomAD exomes 0.00001; TOPMed 0.00001.
gnomAD v4.1: 10 of 1,613,682 alleles (0.00062%); highest among the groups gnomAD compares: East Asian, 0.0022%; no homozygotes.

Submission:

Labcorp Genetics (formerly Invitae), Labcorp
Classification: Uncertain significance. Last evaluated: 2021-04-10. Review status: criteria provided, single submitter. Criteria: Invitae Variant Classification Sherloc (09022015). Collection method: clinical testing. Allele origin: germline.
Comment: This sequence change replaces histidine with arginine at codon 320 of the TTC37 protein (p.His320Arg). The histidine residue is moderately conserved and there is a small physicochemical difference between histidine and arginine. This variant is not present in population databases (ExAC no frequency). This variant has not been reported in the literature in individuals with TTC37-related conditions. Algorithms developed to predict the effect of missense changes on protein structure and function are either unavailable or do not agree on the potential impact of this missense change (SIFT: "Tolerated"; PolyPhen-2: "Probably Damaging"; Align-GVGD: "Class C0"). In summary, the available evidence is currently insufficient to determine the role of this variant in disease. Therefore, it has been classified as a Variant of Uncertain Significance.